The following is an entry in ClinVar:

ClinVar aggregate classification (germline): Uncertain significance (1 of 4 stars; one submission).

gnomAD v4.1: 2 of 1,614,146 alleles (0.00012%); highest among the groups gnomAD compares: Non-Finnish European, 0.00017%; no homozygotes.

Submission:

GeneDx
Classification: Uncertain significance. Last evaluated: 2020-01-16. Review status: criteria provided, single submitter. Criteria: GeneDx Variant Classification Process June 2021. Collection method: clinical testing. Allele origin: germline. Affected: yes.
Comment: Not observed in large population cohorts (Lek et al., 2016); In silico analysis, which includes protein predictors and evolutionary conservation, supports a deleterious effect; Has not been previously published as pathogenic or benign to our knowledge

NM_006445.4(PRPF8):c.3614A>C (p.Glu1205Ala)

Gene: PRPF8 (pre-mRNA processing factor 8; minus strand). Cytogenetic location: 17p13.3.
Variant type: single nucleotide variant.
Coding change: c.3614A>C on transcript NM_006445.4 (MANE Select); coding-DNA position 3614, A replaced by C.
Protein change: p.Glu1205Ala; replaces glutamic acid 1205 with alanine.
Molecular consequence: missense variant.
Genome position (GRCh38, 1-based): chr17:1,673,400, T>G on the plus strand (A>C on the coding strand, the complement: PRPF8 is on the minus strand). VCF-style: chr17-1673400-T-G. GRCh37 (hg19) VCF-style: chr17-1576694-T-G.
Other names: short protein forms E1205A.
Identifiers: ClinVar variation 1311087 (VCV001311087.2), dbSNP rs2151125843, ClinGen allele CA397539171.